The following is an entry in ClinVar:

NM_003816.3(ADAM9):c.22C>T (p.Pro8Ser)

Genes: ADAM9 (ADAM metallopeptidase domain 9; plus strand), LOC130000261 (ATAC-STARR-seq lymphoblastoid active region 27275; plus strand). Cytogenetic location: 8p11.22.
Variant type: single nucleotide variant.
Coding change: c.22C>T on transcript NM_003816.3 (MANE Select); coding-DNA position 22, C replaced by T.
Protein change: p.Pro8Ser; replaces proline 8 with serine.
Molecular consequence: missense variant. On other transcripts: non-coding transcript variant (3).
Genome position (GRCh38, 1-based): chr8:38,997,085, C>T. VCF-style: chr8-38997085-C-T. GRCh37 (hg19) VCF-style: chr8-38854604-C-T.
Other names: short protein forms P8S.
Identifiers: ClinVar variation 1019927 (VCV001019927.5), dbSNP rs1456294342, ClinGen allele CA370750796.

ClinVar aggregate classification (germline): Uncertain significance (1 of 4 stars; one submission).

Allele frequency attached by ClinVar (database versions not stated): gnomAD 0.00001.

Submission:

Labcorp Genetics (formerly Invitae), Labcorp
Classification: Uncertain significance. Last evaluated: 2023-08-30. Review status: criteria provided, single submitter. Criteria: Invitae Variant Classification Sherloc (09022015). Collection method: clinical testing. Allele origin: germline.
Comment: This sequence change replaces proline, which is neutral and non-polar, with serine, which is neutral and polar, at codon 8 of the ADAM9 protein (p.Pro8Ser). This variant is present in population databases (no rsID available, gnomAD 0.01%). This variant has not been reported in the literature in individuals affected with ADAM9-related conditions. ClinVar contains an entry for this variant (Variation ID: 1019927). Algorithms developed to predict the effect of missense changes on protein structure and function output the following: SIFT: "Not Available"; PolyPhen-2: "Benign"; Align-GVGD: "Not Available". The serine amino acid residue is found in multiple mammalian species, which suggests that this missense change does not adversely affect protein function. In summary, the available evidence is currently insufficient to determine the role of this variant in disease. Therefore, it has been classified as a Variant of Uncertain Significance.